The following is an entry in ClinVar:

NM_005465.7(AKT3):c.136G>A (p.Asp46Asn)

Gene: AKT3 (AKT serine/threonine kinase 3; minus strand). Cytogenetic location: 1q44.
Variant type: single nucleotide variant.
Coding change: c.136G>A on transcript NM_005465.7 (MANE Select); coding-DNA position 136, G replaced by A.
Protein change: p.Asp46Asn; replaces aspartic acid 46 with asparagine.
Molecular consequence: missense variant.
Genome position (GRCh38, 1-based): chr1:243,695,627, C>T on the plus strand (G>A on the coding strand, the complement: AKT3 is on the minus strand). VCF-style: chr1-243695627-C-T. GRCh37 (hg19) VCF-style: chr1-243858929-C-T.
Other names: c.136G>A, p.Asp46Asn (NM_001206729.2, NM_001370074.1, NM_181690.2); short protein forms D46N.
Identifiers: ClinVar variation 3723552 (VCV003723552.2).

ClinVar aggregate classification (germline): Uncertain significance (1 of 4 stars; one submission).

Conditions:
Megalencephaly-polymicrogyria-polydactyly-hydrocephalus syndrome 2 (MPPH2). Also called: MEGALENCEPHALY-POLYMICROGYRIA-POLYDACTYLY-HYDROCEPHALUS SYNDROME 2, SOMATIC. Identifiers: Orphanet 83473, MedGen C4014738, MONDO:0014407, OMIM 615937.

Submission:

Labcorp Genetics (formerly Invitae), Labcorp
Classification: Uncertain significance for Megalencephaly-polymicrogyria-polydactyly-hydrocephalus syndrome 2. Last evaluated: 2024-11-14. Review status: criteria provided, single submitter. Criteria: Invitae Variant Classification Sherloc (09022015). Collection method: clinical testing. Allele origin: germline.
Comment: This sequence change replaces aspartic acid, which is acidic and polar, with asparagine, which is neutral and polar, at codon 46 of the AKT3 protein (p.Asp46Asn). This variant is not present in population databases (gnomAD no frequency). This variant has not been reported in the literature in individuals affected with AKT3-related conditions. An algorithm developed to predict the effect of missense changes on protein structure and function (PolyPhen-2) suggests that this variant is likely to be disruptive. In summary, the available evidence is currently insufficient to determine the role of this variant in disease. Therefore, it has been classified as a Variant of Uncertain Significance.